The following is an entry in ClinVar:

ClinVar aggregate classification (germline): Uncertain significance (1 of 4 stars; one submission).

Submission:

GeneDx
Classification: Uncertain significance. Last evaluated: 2026-03-24. Review status: criteria provided, single submitter. Criteria: GeneDx Variant Classification Process June 2021. Collection method: clinical testing. Allele origin: germline.
Comment: Not observed at significant frequency in large population cohorts (gnomAD); In silico analysis suggests that this missense variant does not alter protein structure/function; Has not been previously published as pathogenic or benign to our knowledge

NM_001357.5(DHX9):c.791A>G (p.Lys264Arg)

Gene: DHX9 (DExH-box helicase 9; plus strand). Cytogenetic location: 1q25.3.
Variant type: single nucleotide variant.
Coding change: c.791A>G on transcript NM_001357.5 (MANE Select); coding-DNA position 791, A replaced by G.
Protein change: p.Lys264Arg; replaces lysine 264 with arginine.
Molecular consequence: missense variant. On other transcripts: non-coding transcript variant (1).
Genome position (GRCh38, 1-based): chr1:182,858,221, A>G. VCF-style: chr1-182858221-A-G. GRCh37 (hg19) VCF-style: chr1-182827356-A-G.
Other names: short protein forms K264R.
Identifiers: ClinVar variation 5017260 (VCV005017260.1).